The following is an entry in ClinVar:

ClinVar aggregate classification (germline): Uncertain significance (1 of 4 stars; one submission).

gnomAD v4.1: 1 of 1,614,212 alleles (0.000062%); highest among the groups gnomAD compares: East Asian, 0.0022%; no homozygotes.

Submission:

Labcorp Genetics (formerly Invitae), Labcorp
Classification: Uncertain significance. Last evaluated: 2025-04-20. Review status: criteria provided, single submitter. Criteria: Invitae Variant Classification Sherloc (09022015). Collection method: clinical testing. Allele origin: germline.
Comment: This sequence change replaces glutamic acid, which is acidic and polar, with aspartic acid, which is acidic and polar, at codon 170 of the CIB2 protein (p.Glu170Asp). This variant is not present in population databases (gnomAD no frequency). This variant has not been reported in the literature in individuals affected with CIB2-related conditions. An algorithm developed to predict the effect of missense changes on protein structure and function (PolyPhen-2) suggests that this variant is likely to be disruptive. In summary, the available evidence is currently insufficient to determine the role of this variant in disease. Therefore, it has been classified as a Variant of Uncertain Significance.

NM_006383.4(CIB2):c.510G>T (p.Glu170Asp)

Gene: CIB2 (calcium and integrin binding family member 2; minus strand). Cytogenetic location: 15q25.1.
Variant type: single nucleotide variant.
Coding change: c.510G>T on transcript NM_006383.4 (MANE Select); coding-DNA position 510, G replaced by T.
Protein change: p.Glu170Asp; replaces glutamic acid 170 with aspartic acid.
Molecular consequence: missense variant. On other transcripts: non-coding transcript variant (1).
Genome position (GRCh38, 1-based): chr15:78,105,771, C>A on the plus strand (G>T on the coding strand, the complement: CIB2 is on the minus strand). VCF-style: chr15-78105771-C-A. GRCh37 (hg19) VCF-style: chr15-78398113-C-A.
Other names: c.381G>T, p.Glu127Asp (NM_001271888.2); c.363G>T, p.Glu121Asp (NM_001271889.2); c.525G>T, p.Glu175Asp (NM_001301224.2); short protein forms E127D, E121D, E175D, E170D.
Identifiers: ClinVar variation 4712513 (VCV004712513.1).